The following is an entry in ClinVar:

NM_014915.3(ANKRD26):c.3453T>G (p.Asp1151Glu)

Gene: ANKRD26 (ankyrin repeat domain 26; minus strand). Cytogenetic location: 10p12.1.
Variant type: single nucleotide variant.
Coding change: c.3453T>G on transcript NM_014915.3 (MANE Select); coding-DNA position 3453, T replaced by G.
Protein change: p.Asp1151Glu; replaces aspartic acid 1151 with glutamic acid.
Molecular consequence: missense variant.
Genome position (GRCh38, 1-based): chr10:27,034,997, A>C on the plus strand (T>G on the coding strand, the complement: ANKRD26 is on the minus strand). VCF-style: chr10-27034997-A-C. GRCh37 (hg19) VCF-style: chr10-27323926-A-C.
Other names: c.3450T>G, p.Asp1150Glu (NM_001256053.2); short protein forms D1151E, D1150E.
Identifiers: ClinVar variation 3019933 (VCV003019933.5), dbSNP rs749989254, ClinGen allele CA5448036.
Genomic context (GRCh38, chr10:27,034,997, plus strand): 5'-AAACTGGTCTTGGATATTAATCACTGTCTTCTCTTTATTGTCAGCCTTGTTGTGGGCATC[A>C]TCCAGTTGTTGTCGAAGCAACATATTCTCACTTTGTAGTTGAGACAATCTCTCCTCTACA-3'
Protein context (NP_055730.2, residues 1141-1161): SENMLLRQQL[Asp1151Glu]DAHNKADNKE

ClinVar aggregate classification (germline): Uncertain significance. Review status: criteria provided, multiple submitters, no conflicts (2 of 4 stars). 3 submissions from 3 submitters: Uncertain significance (3). Last evaluated 2025-07-03.

Conditions:
Inborn genetic diseases. Identifiers: MedGen C0950123, MeSH D030342.

Allele frequency attached by ClinVar (database versions not stated): gnomAD exomes below 0.00001; TOPMed below 0.00001; ExAC 0.00001.
gnomAD v4.1: 1 of 1,614,080 alleles (0.000062%); highest among the groups gnomAD compares: Admixed American, 0.0017%; no homozygotes.

Submissions (3):

Ambry Genetics
Classification: Uncertain significance for Inborn genetic diseases. Last evaluated: 2025-07-03. Review status: criteria provided, single submitter. Criteria: Ambry Variant Classification Scheme 2023. Collection method: clinical testing. Allele origin: germline.
Comment: The p.D1151E variant (also known as c.3453T>G), located in coding exon 24 of the ANKRD26 gene, results from a T to G substitution at nucleotide position 3453. The aspartic acid at codon 1151 is replaced by glutamic acid, an amino acid with highly similar properties. This amino acid position is conserved. In addition, this alteration is predicted to be tolerated by in silico analysis. Based on the available evidence, the clinical significance of this variant remains unclear.

GeneDx
Classification: Uncertain significance. Last evaluated: 2023-05-16. Review status: criteria provided, single submitter. Criteria: GeneDx Variant Classification Process June 2021. Collection method: clinical testing. Allele origin: germline. Affected: yes.
Comment: Not observed at significant frequency in large population cohorts (gnomAD); In silico analysis supports that this missense variant does not alter protein structure/function; Has not been previously published as pathogenic or benign to our knowledge

Labcorp Genetics (formerly Invitae), Labcorp
Classification: Uncertain significance. Last evaluated: 2023-03-04. Review status: criteria provided, single submitter. Criteria: Invitae Variant Classification Sherloc (09022015). Collection method: clinical testing. Allele origin: germline.
Comment: In summary, the available evidence is currently insufficient to determine the role of this variant in disease. Therefore, it has been classified as a Variant of Uncertain Significance. Algorithms developed to predict the effect of missense changes on protein structure and function output the following: SIFT: "Not Available"; PolyPhen-2: "Benign"; Align-GVGD: "Not Available". The glutamic acid amino acid residue is found in multiple mammalian species, which suggests that this missense change does not adversely affect protein function. This variant has not been reported in the literature in individuals affected with ANKRD26-related conditions. This variant is present in population databases (rs749989254, gnomAD 0.003%). This sequence change replaces aspartic acid, which is acidic and polar, with glutamic acid, which is acidic and polar, at codon 1151 of the ANKRD26 protein (p.Asp1151Glu).